The following is an entry in ClinVar:

ClinVar aggregate classification (germline): Uncertain significance. Review status: criteria provided, multiple submitters, no conflicts (2 of 4 stars). 2 submissions from 2 submitters: Uncertain significance (2). Last evaluated 2025-11-16.

Conditions:
CYP27A1-related disorder. Also called: CYP27A1-related condition.
Cholestanol storage disease (CTX). Also called: Cerebrotendinous Xanthomatosis; CTX: Cerebrotendinous xanthomatosis; CEREBRAL CHOLESTERINOSIS. Identifiers: Orphanet 909, MedGen C0238052, MONDO:0008948, OMIM 213700.

Allele frequency attached by ClinVar (database versions not stated): gnomAD exomes 0.00001; TOPMed 0.00001; ExAC 0.00002; ESP Exome Variant Server 0.00015.
gnomAD v4.1: 4 of 1,614,190 alleles (0.00025%); highest among the groups gnomAD compares: Non-Finnish European, 0.00034%; no homozygotes.

Submissions (2):

PreventionGenetics, part of Exact Sciences
Classification: Uncertain significance for CYP27A1-related condition. Last evaluated: 2025-11-16. Review status: criteria provided, single submitter. Criteria: ACMG Guidelines, 2015. Collection method: clinical testing. Allele origin: germline.
Comment: The CYP27A1 c.866A>C variant is predicted to result in the amino acid substitution p.Lys289Thr. To our knowledge, this variant has not been reported in the literature. This variant is reported in 0.0031% of alleles in individuals of European (Non-Finnish) descent in gnomAD. At this time, the clinical significance of this variant is uncertain due to the absence of conclusive functional and genetic evidence.

Labcorp Genetics (formerly Invitae), Labcorp
Classification: Uncertain significance for Cholestanol storage disease. Last evaluated: 2023-10-14. Review status: criteria provided, single submitter. Criteria: Invitae Variant Classification Sherloc (09022015). Collection method: clinical testing. Allele origin: germline.
Comment: This sequence change replaces lysine, which is basic and polar, with threonine, which is neutral and polar, at codon 289 of the CYP27A1 protein (p.Lys289Thr). This variant is present in population databases (rs371056722, gnomAD 0.004%). This variant has not been reported in the literature in individuals affected with CYP27A1-related conditions. ClinVar contains an entry for this variant (Variation ID: 1403547). Advanced modeling of protein sequence and biophysical properties (such as structural, functional, and spatial information, amino acid conservation, physicochemical variation, residue mobility, and thermodynamic stability) has been performed at Invitae for this missense variant, however the output from this modeling did not meet the statistical confidence thresholds required to predict the impact of this variant on CYP27A1 protein function. In summary, the available evidence is currently insufficient to determine the role of this variant in disease. Therefore, it has been classified as a Variant of Uncertain Significance.

NM_000784.4(CYP27A1):c.866A>C (p.Lys289Thr)

Gene: CYP27A1 (cytochrome P450 family 27 subfamily A member 1; plus strand). Cytogenetic location: 2q35.
Variant type: single nucleotide variant.
Coding change: c.866A>C on transcript NM_000784.4 (MANE Select); coding-DNA position 866, A replaced by C.
Protein change: p.Lys289Thr; replaces lysine 289 with threonine.
Molecular consequence: missense variant.
Genome position (GRCh38, 1-based): chr2:218,812,945, A>C. VCF-style: chr2-218812945-A-C. GRCh37 (hg19) VCF-style: chr2-219677668-A-C.
Other names: c.866A>C (NM_000784.3); short protein forms K289T.
Identifiers: ClinVar variation 1403547 (VCV001403547.7), dbSNP rs371056722, ClinGen allele CA2112749.